The following is an entry in ClinVar:

ClinVar aggregate classification (germline): Uncertain significance (1 of 4 stars; one submission).

gnomAD v4.1: 1 of 1,614,136 alleles (0.000062%); highest among the groups gnomAD compares: Non-Finnish European, 0.000085%; no homozygotes.

Submission:

Labcorp Genetics (formerly Invitae), Labcorp
Classification: Uncertain significance. Last evaluated: 2024-03-29. Review status: criteria provided, single submitter. Criteria: Invitae Variant Classification Sherloc (09022015). Collection method: clinical testing. Allele origin: germline.
Comment: This sequence change replaces methionine, which is neutral and non-polar, with threonine, which is neutral and polar, at codon 501 of the BNC2 protein (p.Met501Thr). This variant is not present in population databases (gnomAD no frequency). This variant has not been reported in the literature in individuals affected with BNC2-related conditions. An algorithm developed to predict the effect of missense changes on protein structure and function (PolyPhen-2) suggests that this variant is likely to be disruptive. In summary, the available evidence is currently insufficient to determine the role of this variant in disease. Therefore, it has been classified as a Variant of Uncertain Significance.

NM_017637.6(BNC2):c.1502T>C (p.Met501Thr)

Gene: BNC2 (basonuclin zinc finger protein 2; minus strand). Cytogenetic location: 9p22.3.
Variant type: single nucleotide variant.
Coding change: c.1502T>C on transcript NM_017637.6 (MANE Select); coding-DNA position 1502, T replaced by C.
Protein change: p.Met501Thr; replaces methionine 501 with threonine.
Molecular consequence: missense variant.
Genome position (GRCh38, 1-based): chr9:16,436,692, A>G on the plus strand (T>C on the coding strand, the complement: BNC2 is on the minus strand). VCF-style: chr9-16436692-A-G. GRCh37 (hg19) VCF-style: chr9-16436690-A-G.
Other names: c.1376T>C, p.Met459Thr (NM_001317939.2); c.1217T>C, p.Met406Thr (NM_001317940.2); short protein forms M501T, M406T, M459T.
Identifiers: ClinVar variation 3708727 (VCV003708727.2).